The following is an entry in ClinVar:

NM_003896.4(ST3GAL5):c.82+6T>G

Genes: ST3GAL5 (ST3 beta-galactoside alpha-2,3-sialyltransferase 5; minus strand), LOC129934236 (ATAC-STARR-seq lymphoblastoid silent region 11709; plus strand). Cytogenetic location: 2p11.2.
Variant type: single nucleotide variant.
Coding change: c.82+6T>G on transcript NM_003896.4 (MANE Select); 6 bases into the intron after coding-DNA position 82, T replaced by G.
Molecular consequence: intron variant.
Genome position (GRCh38, 1-based): chr2:85,888,818, A>C on the plus strand (T>G on the coding strand, the complement: ST3GAL5 is on the minus strand). VCF-style: chr2-85888818-A-C. GRCh37 (hg19) VCF-style: chr2-86115941-A-C.
Other names: c.-480+6T>G (NM_001354226.2); c.-920+6T>G (NM_001354233.2); c.-543+6T>G (NM_001354224.2); c.-190+6T>G (NM_001354227.2); c.-881+6T>G (NM_001354223.2); c.-134+6T>G (NM_001354229.2); c.82+6T>G (NM_001363847.1).
Identifiers: ClinVar variation 2229335 (VCV002229335.2), dbSNP rs2467351794, ClinGen allele CA2580068249.

ClinVar aggregate classification (germline): Uncertain significance (1 of 4 stars; one submission).

Conditions:
Inborn genetic diseases. Identifiers: MedGen C0950123, MeSH D030342.

Submission:

Ambry Genetics
Classification: Uncertain significance for Inborn genetic diseases. Last evaluated: 2021-04-20. Review status: criteria provided, single submitter. Criteria: Ambry Variant Classification Scheme 2023. Collection method: clinical testing. Allele origin: germline.
Comment: The c.82+6T>G intronic alteration consists of a T to G substitution nucleotides after coding exon 1 in the ST3GAL5 gene. Based on insufficient or conflicting evidence, the clinical significance of this alteration remains unclear.